The following is an entry in ClinVar:

ClinVar aggregate classification (germline): Uncertain significance. Review status: criteria provided, multiple submitters, no conflicts (2 of 4 stars). 2 submissions from 2 submitters: Uncertain significance (2). Last evaluated 2022-10-03.

Conditions:
Developmental and epileptic encephalopathy, 9 (DEE9). Also called: Early infantile epileptic encephalopathy 9; EPILEPSY, FEMALE-RESTRICTED, WITH MENTAL RETARDATION; JUBERG-HELLMAN SYNDROME; PCDH19-Related X-Linked Female-Limited Epilepsy with Mental Retardation. Identifiers: Orphanet 101039, Orphanet 2076, MedGen C1848137, MONDO:0010246, OMIM 300088. Disease mechanism: loss of function.

Submissions (2):

Labcorp Genetics (formerly Invitae), Labcorp
Classification: Uncertain significance for Developmental and epileptic encephalopathy, 9. Last evaluated: 2022-10-03. Review status: criteria provided, single submitter. Criteria: Invitae Variant Classification Sherloc (09022015). Collection method: clinical testing. Allele origin: germline.
Comment: In summary, the available evidence is currently insufficient to determine the role of this variant in disease. Therefore, it has been classified as a Variant of Uncertain Significance. Advanced modeling of protein sequence and biophysical properties (such as structural, functional, and spatial information, amino acid conservation, physicochemical variation, residue mobility, and thermodynamic stability) performed at Invitae indicates that this missense variant is expected to disrupt PCDH19 protein function. ClinVar contains an entry for this variant (Variation ID: 546369). This variant has not been reported in the literature in individuals affected with PCDH19-related conditions. This variant is not present in population databases (gnomAD no frequency). This sequence change replaces valine, which is neutral and non-polar, with alanine, which is neutral and non-polar, at codon 300 of the PCDH19 protein (p.Val300Ala).

GeneDx
Classification: Uncertain significance. Last evaluated: 2018-05-21. Review status: criteria provided, single submitter. Criteria: GeneDx Variant Classification (06012015). Collection method: clinical testing. Allele origin: germline. Affected: yes.
Comment: The V300A variant hasnot been published as a pathogenic variant, nor has it been reported as a benign variant to ourknowledge. The V300A variant is not observed in large population cohorts (Lek et al., 2016). In-silicoanalyses, including protein predictors and evolutionary conservation, support a deleterious effect.However, the V300A variant is a conservative amino acid substitution, which is not likely to impactsecondary protein structure as these residues share similar properties. Therefore, based on thecurrently available information, it is unclear whether this variant is a pathogenic variant or a rarebenign variant.

NM_001184880.2(PCDH19):c.899T>C (p.Val300Ala)

Gene: PCDH19 (protocadherin 19; minus strand). Cytogenetic location: Xq22.1.
Variant type: single nucleotide variant.
Coding change: c.899T>C on transcript NM_001184880.2 (MANE Select); coding-DNA position 899, T replaced by C.
Protein change: p.Val300Ala; replaces valine 300 with alanine.
Molecular consequence: missense variant.
Genome position (GRCh38, 1-based): chrX:100,407,699, A>G on the plus strand (T>C on the coding strand, the complement: PCDH19 is on the minus strand). VCF-style: chrX-100407699-A-G. GRCh37 (hg19) VCF-style: chrX-99662697-A-G.
Other names: c.899T>C, p.Val300Ala (NM_001105243.2, NM_020766.3); short protein forms V300A.
Identifiers: ClinVar variation 546369 (VCV000546369.8), dbSNP rs1555985398, ClinGen allele CA414005058.